The following is an entry in ClinVar:

NM_015141.4(GPD1L):c.505G>A (p.Gly169Ser)

Gene: GPD1L (glycerol-3-phosphate dehydrogenase 1 like; plus strand). Cytogenetic location: 3p22.3.
Variant type: single nucleotide variant.
Coding change: c.505G>A on transcript NM_015141.4 (MANE Select); coding-DNA position 505, G replaced by A.
Protein change: p.Gly169Ser; replaces glycine 169 with serine.
Molecular consequence: missense variant.
Genome position (GRCh38, 1-based): chr3:32,140,366, G>A. VCF-style: chr3-32140366-G-A. GRCh37 (hg19) VCF-style: chr3-32181858-G-A.
Other names: short protein forms G169S.
Identifiers: ClinVar variation 452285 (VCV000452285.9), dbSNP rs1446434571, ClinGen allele CA351974986.

ClinVar aggregate classification (germline): Uncertain significance. Review status: criteria provided, multiple submitters, no conflicts (2 of 4 stars). 4 submissions from 4 submitters: Uncertain significance (4). Last evaluated 2025-08-20.

Conditions:
Cardiovascular phenotype. Identifiers: MedGen CN230736.
Brugada syndrome. Also called: Sudden unexpected nocturnal death syndrome; Sudden Unexplained Death Syndrome; Sudden Unexplained Nocturnal Death Syndrome (SUNDS); Sudden unexplained nocturnal death syndrome. Identifiers: Orphanet 130, MedGen C1142166, MONDO:0015263.
Brugada syndrome 2 (BRGDA2). Identifiers: Orphanet 130, MedGen C2673193, MONDO:0012728, OMIM 611777.

Allele frequency attached by ClinVar (database versions not stated): gnomAD 0.00001; gnomAD exomes 0.00001 and 0.00002; TOPMed 0.00001.
gnomAD v4.1: 37 of 1,613,974 alleles (0.0023%); highest among the groups gnomAD compares: Non-Finnish European, 0.003%; no homozygotes.

Submissions (4):

Ambry Genetics
Classification: Uncertain significance for Cardiovascular phenotype. Last evaluated: 2025-08-20. Review status: criteria provided, single submitter. Criteria: Ambry Variant Classification Scheme 2023. Collection method: clinical testing. Allele origin: germline.
Comment: The p.G169S variant (also known as c.505G>A), located in coding exon 4 of the GPD1L gene, results from a G to A substitution at nucleotide position 505. The amino acid change results in glycine to serine at codon 169, an amino acid with similar properties. However, this change occurs in the last base pair of coding exon 4, which makes it likely to have some effect on normal mRNA splicing. This nucleotide position is highly conserved in available vertebrate species. This amino acid position is highly conserved in available vertebrate species. In silico splice site analysis predicts that this alteration will not have any significant effect on splicing. In addition, as a missense change, this alteration is predicted to be deleterious by in silico analysis. The evidence for this gene-disease relationship is limited; therefore, the clinical significance of this alteration is unclear.

Fulgent Genetics
Classification: Uncertain significance for Brugada syndrome 2. Last evaluated: 2021-07-28. Review status: criteria provided, single submitter. Criteria: ACMG Guidelines, 2015. Collection method: clinical testing. Allele origin: unknown.

Labcorp Genetics (formerly Invitae), Labcorp
Classification: Uncertain significance for Brugada syndrome. Last evaluated: 2021-03-10. Review status: criteria provided, single submitter. Criteria: Invitae Variant Classification Sherloc (09022015). Collection method: clinical testing. Allele origin: germline.
Comment: In summary, the available evidence is currently insufficient to determine the role of this variant in disease. Therefore, it has been classified as a Variant of Uncertain Significance. Algorithms developed to predict the effect of sequence changes on RNA splicing suggest that this variant may disrupt the consensus splice site, but this prediction has not been confirmed by published transcriptional studies. Algorithms developed to predict the effect of missense changes on protein structure and function (SIFT, PolyPhen-2, Align-GVGD) all suggest that this variant is likely to be disruptive, but these predictions have not been confirmed by published functional studies and their clinical significance is uncertain. This variant has not been reported in the literature in individuals with GPD1L-related conditions. ClinVar contains an entry for this variant (Variation ID: 452285). This variant is not present in population databases (ExAC no frequency). This sequence change replaces glycine with serine at codon 169 of the GPD1L protein (p.Gly169Ser). The glycine residue is highly conserved and there is a small physicochemical difference between glycine and serine.

GeneDx
Classification: Uncertain significance. Last evaluated: 2017-09-25. Review status: criteria provided, single submitter. Criteria: GeneDx Variant Classification (06012015). Collection method: clinical testing. Allele origin: germline. Affected: yes.
Comment: The G169S variant has not been published as pathogenic or been reported as benign to our knowledge. The G169S variant is not observed at a significant frequency in large population cohorts (Lek et al., 2016). The G169S variant is a non-conservative amino acid substitution, which is likely to impact secondary protein structure as these residues differ in polarity, charge, size and/or other properties. This substitution occurs at a position that is conserved across species, and in silico analysis predicts this variant is probably damaging to the protein structure/function.